The following is an entry in ClinVar:

ClinVar aggregate classification (germline): Uncertain significance. Review status: criteria provided, multiple submitters, no conflicts (2 of 4 stars). 2 submissions from 2 submitters: Uncertain significance (2). Last evaluated 2025-10-16.

Conditions:
Inborn genetic diseases. Identifiers: MedGen C0950123, MeSH D030342.
DNMT3A-related disorder. Also called: DNMT3A-related disorders; DNMT3A-related condition.

Submissions (2):

Ambry Genetics
Classification: Uncertain significance for Inborn genetic diseases. Last evaluated: 2025-10-16. Review status: criteria provided, single submitter. Criteria: Ambry Variant Classification Scheme 2023. Collection method: clinical testing. Allele origin: germline.
Comment: The p.D271G variant (also known as c.812A>G), located in coding exon 6 of the DNMT3A gene, results from an A to G substitution at nucleotide position 812. The aspartic acid at codon 271 is replaced by glycine, an amino acid with similar properties. This amino acid position is conserved. In addition, the in silico prediction for this alteration is inconclusive. Based on the available evidence, the clinical significance of this variant remains unclear.

PreventionGenetics, part of Exact Sciences
Classification: Uncertain significance for DNMT3A-related condition. Last evaluated: 2025-09-16. Review status: criteria provided, single submitter. Criteria: ACMG Guidelines, 2015. Collection method: clinical testing. Allele origin: germline.
Comment: The DNMT3A c.812A>G variant is predicted to result in the amino acid substitution p.Asp271Gly. To our knowledge, this variant has not been reported in the literature or in a large population database (gnomAD), indicating this variant is rare. At this time, the clinical significance of this variant is uncertain due to the absence of conclusive functional and genetic evidence.

NM_022552.5(DNMT3A):c.812A>G (p.Asp271Gly)

Gene: DNMT3A (DNA methyltransferase 3 alpha; minus strand). Cytogenetic location: 2p23.3.
Variant type: single nucleotide variant.
Coding change: c.812A>G on transcript NM_022552.5 (MANE Select); coding-DNA position 812, A replaced by G.
Protein change: p.Asp271Gly; replaces aspartic acid 271 with glycine.
Molecular consequence: missense variant. On other transcripts: non-coding transcript variant (1).
Genome position (GRCh38, 1-based): chr2:25,248,080, T>C on the plus strand (A>G on the coding strand, the complement: DNMT3A is on the minus strand). VCF-style: chr2-25248080-T-C. GRCh37 (hg19) VCF-style: chr2-25470949-T-C.
Other names: c.356A>G, p.Asp119Gly (NM_001320893.1); c.143A>G, p.Asp48Gly (NM_001375819.1); c.245A>G, p.Asp82Gly (NM_153759.3); c.812A>G, p.Asp271Gly (NM_175629.2); short protein forms D119G, D48G, D271G, D82G.
Identifiers: ClinVar variation 4617763 (VCV004617763.2).